The following is an entry in ClinVar:

ClinVar aggregate classification (germline): Pathogenic. Review status: criteria provided, multiple submitters, no conflicts (2 of 4 stars). 3 submissions from 3 submitters: Pathogenic (2). 1 of the submissions does not count toward it. Last evaluated 2025-01-28.

Conditions:
KCNH2-related disorder. Also called: KCNH2-related disorders; KCNH2-related condition.
Familial long QT syndrome (RWS). Also called: Congenital long QT syndrome; Romano-Ward syndrome; VENTRICULAR FIBRILLATION WITH PROLONGED QT INTERVAL. Identifiers: Orphanet 768, MedGen C1141890, MONDO:0019171.
Long QT syndrome (LQTS). Identifiers: MedGen C0023976, MeSH D008133, MONDO:0002442. Disease mechanism: loss of function. Inheritance: Various modes of inheritance.

Submissions (3):

Rady Children's Institute for Genomic Medicine, Rady Children's Hospital San Diego
Classification: Pathogenic for KCNH2-related disorders. Last evaluated: 2025-01-28. Review status: criteria provided, single submitter. Criteria: ACMG Guidelines, 2015. Collection method: clinical testing. Allele origin: germline. Affected: yes.
Comment: The c.1879T>C (p.Phe627Leu) variant affects a highly conserved amino acid and is predicted by multiple in silico tools to have a deleterious effect on protein function. This variant has been previously reported as a heterozygous change in at least three individuals with long QT syndrome including at least one de novo occurrence (PMID: 11854117, 24217263, 24322056). The c.1879T>C (p.Phe627Leu) variant is located in a pore region of the channel protein, which is the hotspot for pathogenic variations associated with long QT syndrome (PMID: 25417810, 18848812, 24322056, 10973849, 7889573, 19165230, 15840476, 9544837). Experimental studies have demonstrated that this missense change leads to reduced potassium channel function (PMID: 18848812, 25417810). The c.1879T>C (p.Phe627Leu) variant is absent from the latest version of the gnomAD population database and thus is presumed to be rare. Based on parental analysis, this variant likely occurred as a de novo event. Based on the available evidence, c.1879T>C (p.Phe627Leu) is classified as Pathogenic.

Labcorp Genetics (formerly Invitae), Labcorp
Classification: Pathogenic for Long QT syndrome. Last evaluated: 2022-10-02. Review status: criteria provided, single submitter. Criteria: Invitae Variant Classification Sherloc (09022015). Collection method: clinical testing. Allele origin: germline.
Comment: ClinVar contains an entry for this variant (Variation ID: 67309). This missense change has been observed in individual(s) with long QT syndrome (PMID: 11854117, 24217263, 24322056). In at least one individual the variant was observed to be de novo. This variant is not present in population databases (gnomAD no frequency). This sequence change replaces phenylalanine, which is neutral and non-polar, with leucine, which is neutral and non-polar, at codon 627 of the KCNH2 protein (p.Phe627Leu). For these reasons, this variant has been classified as Pathogenic. Experimental studies have shown that this missense change affects KCNH2 function (PMID: 18848812, 25417810). Algorithms developed to predict the effect of missense changes on protein structure and function are either unavailable or do not agree on the potential impact of this missense change (SIFT: "Tolerated"; PolyPhen-2: "Probably Damaging"; Align-GVGD: "Class C0").

Cardiovascular Biomedical Research Unit, Royal Brompton & Harefield NHS Foundation Trust
No classification provided. Condition: Familial long QT syndrome. Review status: no classification provided. Collection method: literature only. Allele origin: germline. Not counted in ClinVar's aggregate classification.
Comment: This variant has been reported as associated with Long QT syndrome in the following publications (PMID:18848812). This is a literature report, and does not necessarily reflect the clinical interpretation of the Imperial College / Royal Brompton Cardiovascular Genetics laboratory.

Literature cited by the submitters: PubMed 11854117 (cited by Rady Children's Institute for Genomic Medicine, Rady Children's Hospital San Diego and Labcorp Genetics (formerly Invitae), Labcorp); PubMed 24217263 (cited by Rady Children's Institute for Genomic Medicine, Rady Children's Hospital San Diego and Labcorp Genetics (formerly Invitae), Labcorp); PubMed 24322056 (cited by Rady Children's Institute for Genomic Medicine, Rady Children's Hospital San Diego and Labcorp Genetics (formerly Invitae), Labcorp); PubMed 25417810 (cited by Rady Children's Institute for Genomic Medicine, Rady Children's Hospital San Diego and Labcorp Genetics (formerly Invitae), Labcorp); PubMed 18848812 (cited by 3 submitters); PubMed 10973849 (cited by Rady Children's Institute for Genomic Medicine, Rady Children's Hospital San Diego); PubMed 7889573 (cited by Rady Children's Institute for Genomic Medicine, Rady Children's Hospital San Diego); PubMed 19165230 (cited by Rady Children's Institute for Genomic Medicine, Rady Children's Hospital San Diego); PubMed 15840476 (cited by Rady Children's Institute for Genomic Medicine, Rady Children's Hospital San Diego); PubMed 9544837 (cited by Rady Children's Institute for Genomic Medicine, Rady Children's Hospital San Diego); PubMed 22581653 (cited by Cardiovascular Biomedical Research Unit, Royal Brompton & Harefield NHS Foundation Trust).

NM_000238.4(KCNH2):c.1879T>C (p.Phe627Leu)

Gene: KCNH2 (potassium voltage-gated channel subfamily H member 2; minus strand). Cytogenetic location: 7q36.1.
Variant type: single nucleotide variant.
Coding change: c.1879T>C on transcript NM_000238.4 (MANE Select); coding-DNA position 1879, T replaced by C.
Protein change: p.Phe627Leu; replaces phenylalanine 627 with leucine.
Molecular consequence: missense variant.
Genome position (GRCh38, 1-based): chr7:150,951,514, A>G on the plus strand (T>C on the coding strand, the complement: KCNH2 is on the minus strand). VCF-style: chr7-150951514-A-G. GRCh37 (hg19) VCF-style: chr7-150648602-A-G.
Other names: c.1879T>C (LRG_288t1); c.859T>C, p.Phe287Leu (NM_001204798.2, NM_172057.3); c.1591T>C, p.Phe531Leu (NM_001406753.1, NM_001406756.1); c.1702T>C, p.Phe568Leu (NM_001406755.1); c.1579T>C, p.Phe527Leu (NM_001406757.1); c.1879T>C, p.Phe627Leu (NM_172056.3); short protein forms F287L, F627L, F527L, F531L, F568L.
Identifiers: ClinVar variation 67309 (VCV000067309.8), dbSNP rs199472954, ClinGen allele CA005780.